The following is an entry in ClinVar:

NM_000340.2(SLC2A2):c.1375-20T>G

Gene: SLC2A2 (solute carrier family 2 member 2; minus strand). Cytogenetic location: 3q26.2.
Variant type: single nucleotide variant.
Coding change: c.1375-20T>G on transcript NM_000340.2 (MANE Select); 20 bases into the intron before coding-DNA position 1375, T replaced by G.
Molecular consequence: intron variant.
Genome position (GRCh38, 1-based): chr3:170,998,123, A>C on the plus strand (T>G on the coding strand, the complement: SLC2A2 is on the minus strand). VCF-style: chr3-170998123-A-C. GRCh37 (hg19) VCF-style: chr3-170715912-A-C.
Other names: c.1018-20T>G (NM_001278658.2); c.856-20T>G (NM_001278659.2).
Identifiers: ClinVar variation 1933489 (VCV001933489.3), dbSNP rs1715177273, ClinGen allele CA1056309468.

ClinVar aggregate classification (germline): Uncertain significance (1 of 4 stars; one submission).

Conditions:
Fanconi-Bickel syndrome (FBS). Also called: FANCONI SYNDROME WITH INTESTINAL MALABSORPTION AND GALACTOSE INTOLERANCE; HEPATIC GLYCOGENOSIS WITH AMINO ACIDURIA AND GLUCOSURIA; HEPATIC GLYCOGENOSIS WITH FANCONI NEPHROPATHY; HEPATORENAL GLYCOGENOSIS WITH RENAL FANCONI SYNDROME; Glycogen storage disease due to GLUT2 deficiency; PSEUDO-PHLORIZIN DIABETES. Identifiers: Orphanet 2088, MedGen C3495427, MONDO:0009216, OMIM 227810.

Allele frequency attached by ClinVar (database versions not stated): gnomAD exomes below 0.00001; gnomAD 0.00001; TOPMed 0.00001.
gnomAD v4.1: 2 of 1,613,440 alleles (0.00012%); highest among the groups gnomAD compares: Admixed American, 0.0033%; no homozygotes.

Submission:

Labcorp Genetics (formerly Invitae), Labcorp
Classification: Uncertain significance for Fanconi-Bickel syndrome. Last evaluated: 2022-07-19. Review status: criteria provided, single submitter. Criteria: Invitae Variant Classification Sherloc (09022015). Collection method: clinical testing. Allele origin: germline.
Comment: In summary, the available evidence is currently insufficient to determine the role of this variant in disease. Therefore, it has been classified as a Variant of Uncertain Significance. Algorithms developed to predict the effect of sequence changes on RNA splicing suggest that this variant may disrupt the consensus splice site. This variant has not been reported in the literature in individuals affected with SLC2A2-related conditions. This variant is not present in population databases (gnomAD no frequency). This sequence change falls in intron 10 of the SLC2A2 gene. It does not directly change the encoded amino acid sequence of the SLC2A2 protein.